The following is an entry in ClinVar:

ClinVar aggregate classification (germline): Uncertain significance (1 of 4 stars; one submission).

gnomAD v4.1: 12 of 1,590,500 alleles (0.00075%); highest among the groups gnomAD compares: African/African-American, 0.0027%; no homozygotes.

Submission:

Labcorp Genetics (formerly Invitae), Labcorp
Classification: Uncertain significance. Last evaluated: 2026-01-22. Review status: criteria provided, single submitter. Criteria: Invitae Variant Classification Sherloc (09022015). Collection method: clinical testing. Allele origin: germline.
Comment: This sequence change replaces proline, which is neutral and non-polar, with serine, which is neutral and polar, at codon 10 of the RPS27 protein (p.Pro10Ser). This variant is present in population databases (no rsID available, gnomAD 0.008%). This variant has not been reported in the literature in individuals affected with RPS27-related conditions. An algorithm developed to predict the effect of missense changes on protein structure and function (PolyPhen-2) suggests that this variant is likely to be tolerated. In summary, the available evidence is currently insufficient to determine the role of this variant in disease. Therefore, it has been classified as a Variant of Uncertain Significance.

NM_001030.6(RPS27):c.28C>T (p.Pro10Ser)

Genes: RPS27 (ribosomal protein S27; plus strand), LOC126805872 (BRD4-independent group 4 enhancer GRCh37_chr1:153962963-153964162; plus strand). Cytogenetic location: 1q21.3.
Variant type: single nucleotide variant.
Coding change: c.28C>T on transcript NM_001030.6 (MANE Select); coding-DNA position 28, C replaced by T.
Protein change: p.Pro10Ser; replaces proline 10 with serine.
Molecular consequence: missense variant. On other transcripts: 5 prime UTR variant (2).
Genome position (GRCh38, 1-based): chr1:153,991,136, C>T. VCF-style: chr1-153991136-C-T. GRCh37 (hg19) VCF-style: chr1-153963612-C-T.
Other names: c.-69C>T (NM_001349946.2, NM_001349947.2); short protein forms P10S.
Identifiers: ClinVar variation 4715511 (VCV004715511.1).